The following is an entry in ClinVar:

ClinVar aggregate classification (germline): Uncertain significance (1 of 4 stars; one submission).

Conditions:
Left ventricular noncompaction 1 (LVNC1). Also called: LEFT VENTRICULAR NONCOMPACTION 1 WITH OR WITHOUT CONGENITAL HEART DEFECTS. Identifiers: Orphanet 54260, MedGen C1858725, MONDO:0011403, OMIM 604169.

gnomAD v4.1: 1 of 1,613,900 alleles (0.000062%); highest among the groups gnomAD compares: Admixed American, 0.0017%; no homozygotes.

Submission:

Labcorp Genetics (formerly Invitae), Labcorp
Classification: Uncertain significance for Left ventricular noncompaction 1. Last evaluated: 2024-04-06. Review status: criteria provided, single submitter. Criteria: Invitae Variant Classification Sherloc (09022015). Collection method: clinical testing. Allele origin: germline.
Comment: This sequence change replaces threonine, which is neutral and polar, with alanine, which is neutral and non-polar, at codon 627 of the DTNA protein (p.Thr627Ala). This variant is not present in population databases (gnomAD no frequency). This variant has not been reported in the literature in individuals affected with DTNA-related conditions. An algorithm developed to predict the effect of missense changes on protein structure and function (PolyPhen-2) suggests that this variant is likely to be disruptive. In summary, the available evidence is currently insufficient to determine the role of this variant in disease. Therefore, it has been classified as a Variant of Uncertain Significance.

NM_001386795.1(DTNA):c.1960A>G (p.Thr654Ala)

Gene: DTNA (dystrobrevin alpha; plus strand). Cytogenetic location: 18q12.1.
Variant type: single nucleotide variant.
Coding change: c.1960A>G on transcript NM_001386795.1 (MANE Select); coding-DNA position 1960, A replaced by G.
Protein change: p.Thr654Ala; replaces threonine 654 with alanine.
Molecular consequence: missense variant.
Genome position (GRCh38, 1-based): chr18:34,877,775, A>G. VCF-style: chr18-34877775-A-G. GRCh37 (hg19) VCF-style: chr18-32457739-A-G.
Other names: c.1699A>G, p.Thr567Ala (NM_001198938.2, NM_001198940.2, NM_001386763.1 and 5 more transcripts); c.1720A>G, p.Thr574Ala (NM_001198939.2); c.1006A>G, p.Thr336Ala (NM_001198942.1); c.949A>G, p.Thr317Ala (NM_001198943.1); c.835A>G, p.Thr279Ala (NM_001198944.1); c.1696A>G, p.Thr566Ala (NM_001386768.1, NM_001386769.1); c.1960A>G, p.Thr654Ala (NM_001386788.1); c.1789A>G, p.Thr597Ala (NM_001386754.1, NM_001386755.1, NM_001386756.1 and 3 more transcripts); and 5 more; short protein forms T275A, T279A, T570A, T574A, T596A, T566A, T567A, T597A.
Identifiers: ClinVar variation 3702295 (VCV003702295.2).